The following is an entry in ClinVar:

ClinVar aggregate classification (germline): Conflicting classifications of pathogenicity. Review status: criteria provided, conflicting classifications (1 of 4 stars). 14 submissions from 14 submitters: Uncertain significance (1); Benign (7); Likely benign (2). 4 of the submissions do not count toward it. Last evaluated 2026-08-01.

Conditions:
Usher syndrome type 2C. Also called: Usher syndrome, type 2B; USHER SYNDROME, TYPE IIC. Identifiers: Orphanet 231178, Orphanet 886, MedGen C2931213, MONDO:0011558, OMIM 605472.

Allele frequency attached by ClinVar (database versions not stated): 1000 Genomes Project 30x 0.00203; ExAC 0.00280; 1000 Genomes Project 0.00220; gnomAD 0.00231 and 0.00242; TOPMed 0.00248; gnomAD exomes 0.00302 and 0.00255; ESP Exome Variant Server 0.00262.
gnomAD v4.1: 4,762 of 1,592,634 alleles (0.3%); highest among the groups gnomAD compares: Middle Eastern, 1.9%; 18 homozygotes.

Submissions (14):

CeGaT Center for Human Genetics Tuebingen
Classification: Likely benign. Last evaluated: 2026-08-01. Review status: criteria provided, single submitter. Criteria: CeGaT Center For Human Genetics Tuebingen Variant Classification Criteria Version 2. Collection method: clinical testing. Allele origin: germline. Affected: yes. Observed: 13 variant alleles.
Comment: ADGRV1: BP4, BS2

Labcorp Genetics (formerly Invitae), Labcorp
Classification: Benign. Last evaluated: 2026-02-01. Review status: criteria provided, single submitter. Criteria: Invitae Variant Classification Sherloc (09022015). Collection method: clinical testing. Allele origin: germline.

Illumina Laboratory Services, Illumina
Classification: Benign for Usher syndrome type 2C. Last evaluated: 2025-04-08. Review status: criteria provided, single submitter. Criteria: ICSLVariantClassificationCriteria RUGD 01 April 2020. Collection method: clinical testing. Allele origin: unknown.

Blueprint Genetics
Classification: Likely benign. Last evaluated: 2024-11-22. Review status: criteria provided, single submitter. Criteria: ACMG Guidelines, 2015. Collection method: clinical testing. Allele origin: germline.

Mayo Clinic Laboratories, Mayo Clinic
Classification: Benign. Last evaluated: 2024-10-16. Review status: criteria provided, single submitter. Criteria: ACMG Guidelines, 2015. Collection method: clinical testing. Allele origin: germline. Observed: 1 variant allele.
Comment: BS1, BS2, BP4, BP7

Athena Diagnostics
Classification: Benign. Last evaluated: 2024-09-16. Review status: criteria provided, single submitter. Criteria: Athena Diagnostics Criteria. Collection method: clinical testing. Allele origin: unknown.

ARUP Laboratories, Molecular Genetics and Genomics, ARUP Laboratories
Classification: Benign. Last evaluated: 2019-08-01. Review status: criteria provided, single submitter. Criteria: ARUP Molecular Germline Variant Investigation Process. Collection method: clinical testing. Allele origin: germline.

GeneDx
Classification: Benign. Last evaluated: 2018-08-03. Review status: criteria provided, single submitter. Criteria: GeneDx Variant Classification Process June 2021. Collection method: clinical testing. Allele origin: germline. Affected: yes.

Eurofins Ntd Llc (ga)
Classification: Uncertain significance. Last evaluated: 2015-08-04. Review status: criteria provided, single submitter. Criteria: EGL Classification Definitions 2015. Collection method: clinical testing. Allele origin: germline. Observed: 6 variant alleles, 6 heterozygotes.

Laboratory for Molecular Medicine, Mass General Brigham Personalized Medicine
Classification: Benign. Last evaluated: 2012-03-20. Review status: criteria provided, single submitter. Criteria: LMM Criteria. Collection method: clinical testing. Allele origin: germline. Observed: 18 variant alleles.
Comment: Asp3071Asp in exon 43 of GPR98: This variant is not expected to have clinical si gnificance because it does not alter an amino acid residue, is not located withi n the splice consensus sequence, has been identified in 0.4% (26/6554) of Europe an American chromosomes and 0.01% (3/2960) of African American chromosomes in a broad population by the NHLBI Exome sequencing project (.edu/EVS/; dbSNP rs56329646).

Clinical Genetics DNA and cytogenetics Diagnostics Lab, Erasmus MC, Erasmus Medical Center
Classification: Likely benign. Review status: no assertion criteria provided. Collection method: clinical testing. Allele origin: germline. Affected: yes. Study: VKGL Data-share Consensus. Not counted in ClinVar's aggregate classification.

Clinical Genetics, Academic Medical Center
Classification: Benign. Review status: no assertion criteria provided. Collection method: clinical testing. Allele origin: germline. Affected: yes. Study: VKGL Data-share Consensus. Not counted in ClinVar's aggregate classification.

Diagnostic Laboratory, Department of Genetics, University Medical Center Groningen
Classification: Likely benign. Review status: no assertion criteria provided. Collection method: clinical testing. Allele origin: germline. Affected: yes. Study: VKGL Data-share Consensus. Not counted in ClinVar's aggregate classification.

Genome Diagnostics Laboratory, University Medical Center Utrecht
Classification: Benign. Review status: no assertion criteria provided. Collection method: clinical testing. Allele origin: germline. Affected: yes. Study: VKGL Data-share Consensus. Not counted in ClinVar's aggregate classification.

NM_032119.4(ADGRV1):c.9213C>T (p.Asp3071=)

Gene: ADGRV1 (adhesion G protein-coupled receptor V1; plus strand). Cytogenetic location: 5q14.3.
Variant type: single nucleotide variant.
Coding change: c.9213C>T on transcript NM_032119.4 (MANE Select); coding-DNA position 9213, C replaced by T.
Protein change: p.Asp3071=; no amino-acid change (aspartic acid 3071 retained).
Molecular consequence: synonymous variant. On other transcripts: non-coding transcript variant (1).
Genome position (GRCh38, 1-based): chr5:90,716,495, C>T. VCF-style: chr5-90716495-C-T. GRCh37 (hg19) VCF-style: chr5-90012312-C-T.
Other names: p.Asp3071=.
Identifiers: ClinVar variation 46402 (VCV000046402.75), dbSNP rs56329646, ClinGen allele CA138263.